The following is an entry in ClinVar:

NM_001365536.1(SCN9A):c.5528T>G (p.Phe1843Cys)

Genes: SCN1A-AS1 (SCN1A and SCN9A antisense RNA 1; plus strand), SCN9A (sodium voltage-gated channel alpha subunit 9; minus strand). Cytogenetic location: 2q24.3.
Variant type: single nucleotide variant.
Coding change: c.5528T>G on transcript NM_001365536.1 (MANE Select); coding-DNA position 5528, T replaced by G.
Protein change: p.Phe1843Cys; replaces phenylalanine 1843 with cysteine.
Molecular consequence: missense variant.
Genome position (GRCh38, 1-based): chr2:166,199,111, A>C on the plus strand (T>G on the coding strand, the complement: SCN9A is on the minus strand). VCF-style: chr2-166199111-A-C. GRCh37 (hg19) VCF-style: chr2-167055621-A-C.
Other names: c.5495T>G, p.Phe1832Cys (NM_002977.4); short protein forms F1832C, F1843C.
Identifiers: ClinVar variation 4790921 (VCV004790921.1).
Genomic context (GRCh38, chr2:166,199,111, plus strand): 5'-ATCTGTGAACGAAGAGAATCCATCTCCCCACTCTCACCCAAAACACGCTTTGTAAAAGCA[A>C]ATAAGATGTCAAGACAATGGATCCGGTCACCACTAACCATGGGCAGATCCATGGCAATGA-3'
Protein context (NP_001352465.1, residues 1833-1853): GDRIHCLDIL[Phe1843Cys]AFTKRVLGES

ClinVar aggregate classification (germline): Uncertain significance (1 of 4 stars; one submission).

Conditions:
Neuropathy, hereditary sensory and autonomic, type 2A (HSAN2A). Also called: ACROOSTEOLYSIS, GIACCAI TYPE; ACROOSTEOLYSIS, NEUROGENIC; MORVAN DISEASE; NEUROPATHY, CONGENITAL SENSORY; NEUROPATHY, HEREDITARY SENSORY RADICULAR, AUTOSOMAL RECESSIVE; NEUROPATHY, HEREDITARY SENSORY, TYPE IIA. Identifiers: Orphanet 970, MedGen C2752089, MONDO:0024309, OMIM 201300.
Generalized epilepsy with febrile seizures plus, type 7 (GEFSP7). Also called: GEFS+, TYPE 7. Identifiers: Orphanet 36387, MedGen C2751778, MONDO:0013470, OMIM 613863.

gnomAD v4.1: 7 of 1,614,204 alleles (0.00043%); highest among the groups gnomAD compares: Non-Finnish European, 0.00059%; no homozygotes.

Submission:

Labcorp Genetics (formerly Invitae), Labcorp
Classification: Uncertain significance for Neuropathy, hereditary sensory and autonomic, type 2A; Generalized epilepsy with febrile seizures plus, type 7. Last evaluated: 2025-02-04. Review status: criteria provided, single submitter. Criteria: Invitae Variant Classification Sherloc (09022015). Collection method: clinical testing. Allele origin: germline.
Comment: This sequence change replaces phenylalanine, which is neutral and non-polar, with cysteine, which is neutral and slightly polar, at codon 1832 of the SCN9A protein (p.Phe1832Cys). This variant is not present in population databases (gnomAD no frequency). This variant has not been reported in the literature in individuals affected with SCN9A-related conditions. Invitae Evidence Modeling of protein sequence and biophysical properties (such as structural, functional, and spatial information, amino acid conservation, physicochemical variation, residue mobility, and thermodynamic stability) has been performed for this missense variant. However, the output from this modeling did not meet the statistical confidence thresholds required to predict the impact of this variant on SCN9A protein function. In summary, the available evidence is currently insufficient to determine the role of this variant in disease. Therefore, it has been classified as a Variant of Uncertain Significance.